The following is an entry in ClinVar:

ClinVar aggregate classification (germline): Conflicting classifications of pathogenicity. Review status: criteria provided, conflicting classifications (1 of 4 stars). 2 submissions from 2 submitters: Uncertain significance (1); Likely benign (1). Last evaluated 2023-03-23.

Conditions:
Hereditary cancer-predisposing syndrome. Also called: Neoplastic Syndromes, Hereditary; Tumor predisposition; Hereditary Cancer Syndrome; Hereditary neoplastic syndrome. Identifiers: Orphanet 140162, MedGen C0027672, MeSH D009386, MONDO:0015356.

Submissions (2):

University of Washington Department of Laboratory Medicine, University of Washington
Classification: Likely benign for Hereditary cancer-predisposing syndrome. Last evaluated: 2023-03-23. Review status: criteria provided, single submitter. Criteria: Dines et al. (Genet Med. 2020). Collection method: curation. Allele origin: germline.
Comment: Missense variant in a coldspot region where missense variants are very unlikely to be pathogenic (PMID:31911673).

BRCA2 exon 11 coldspot. Reclassification based on statistical prior probability.

Ambry Genetics
Classification: Uncertain significance for Hereditary cancer-predisposing syndrome. Last evaluated: 2022-02-04. Review status: criteria provided, single submitter. Criteria: Ambry Variant Classification Scheme 2023. Collection method: clinical testing. Allele origin: germline.
Comment: The p.E1146K variant (also known as c.3436G>A), located in coding exon 10 of the BRCA2 gene, results from a G to A substitution at nucleotide position 3436. The glutamic acid at codon 1146 is replaced by lysine, an amino acid with similar properties. This amino acid position is not well conserved in available vertebrate species. In addition, this alteration is predicted to be tolerated by in silico analysis. Since supporting evidence is limited at this time, the clinical significance of this alteration remains unclear.

NM_000059.4(BRCA2):c.3436G>A (p.Glu1146Lys)

Gene: BRCA2 (BRCA2 DNA repair associated; plus strand). Cytogenetic location: 13q13.1.
Variant type: single nucleotide variant.
Coding change: c.3436G>A on transcript NM_000059.4 (MANE Select); coding-DNA position 3436, G replaced by A.
Protein change: p.Glu1146Lys; replaces glutamic acid 1146 with lysine.
Molecular consequence: missense variant.
Genome position (GRCh38, 1-based): chr13:32,337,791, G>A. VCF-style: chr13-32337791-G-A. GRCh37 (hg19) VCF-style: chr13-32911928-G-A.
Other names: c.3436G>A, p.Glu1146Lys (NM_001406719.1, NM_001406720.1); short protein forms E1146K.
Identifiers: ClinVar variation 1731417 (VCV001731417.4), dbSNP rs1237049560, ClinGen allele CA387776594.